The following is an entry in ClinVar:

NM_032119.4(ADGRV1):c.12958G>A (p.Gly4320Arg)

Gene: ADGRV1 (adhesion G protein-coupled receptor V1; plus strand). Cytogenetic location: 5q14.3.
Variant type: single nucleotide variant.
Coding change: c.12958G>A on transcript NM_032119.4 (MANE Select); coding-DNA position 12958, G replaced by A.
Protein change: p.Gly4320Arg; replaces glycine 4320 with arginine.
Molecular consequence: missense variant. On other transcripts: non-coding transcript variant (1).
Genome position (GRCh38, 1-based): chr5:90,778,973, G>A. VCF-style: chr5-90778973-G-A. GRCh37 (hg19) VCF-style: chr5-90074790-G-A.
Other names: short protein forms G4320R.
Identifiers: ClinVar variation 1522548 (VCV001522548.6), dbSNP rs2150081696, ClinGen allele CA360389609.
Genomic context (GRCh38, chr5:90,778,973, plus strand): 5'-CTCTGGTACAAGACGATGAGCGGGACAGCGGAAGCAGGCTTGGATTTTGTTCCTGCAGCA[G>A]GGGAGCTCCTCTTTGAAGCAGGGGAGATGAGGAAAAGTCTGCATGTTGAAATCCTTGATG-3'
Protein context (NP_115495.3, residues 4310-4330): EAGLDFVPAA[Gly4320Arg]ELLFEAGEMR

ClinVar aggregate classification (germline): Uncertain significance (1 of 4 stars; one submission).

gnomAD v4.1: 1 of 1,613,552 alleles (0.000062%); highest among the groups gnomAD compares: East Asian, 0.0022%; no homozygotes.

Submission:

Labcorp Genetics (formerly Invitae), Labcorp
Classification: Uncertain significance. Last evaluated: 2022-03-09. Review status: criteria provided, single submitter. Criteria: Invitae Variant Classification Sherloc (09022015). Collection method: clinical testing. Allele origin: germline.
Comment: This sequence change replaces glycine, which is neutral and non-polar, with arginine, which is basic and polar, at codon 4320 of the ADGRV1 protein (p.Gly4320Arg). This variant is not present in population databases (gnomAD no frequency). This variant has not been reported in the literature in individuals affected with ADGRV1-related conditions. Algorithms developed to predict the effect of missense changes on protein structure and function are either unavailable or do not agree on the potential impact of this missense change (SIFT: "Tolerated"; PolyPhen-2: "Probably Damaging"; Align-GVGD: "Class C0"). In summary, the available evidence is currently insufficient to determine the role of this variant in disease. Therefore, it has been classified as a Variant of Uncertain Significance.